The following is an entry in ClinVar:

ClinVar aggregate classification (germline): Benign. Review status: criteria provided, multiple submitters, no conflicts (2 of 4 stars). 12 submissions from 12 submitters: Benign (8). 4 of the submissions do not count toward it. Last evaluated 2026-01-19.

Conditions:
Wilson disease (WND). Also called: Wilson's disease. Identifiers: Orphanet 905, MedGen C0019202, MONDO:0010200, OMIM 277900. Disease mechanism: loss of function.

Allele frequency attached by ClinVar (database versions not stated): 1000 Genomes Project 0.51677; 1000 Genomes Project 30x 0.51811; TOPMed 0.56375; gnomAD 0.57328 and 0.57587; ESP Exome Variant Server 0.59505; gnomAD exomes 0.67830.
gnomAD v4.1: 1,071,164 of 1,603,372 alleles (67%); highest among the groups gnomAD compares: Non-Finnish European, 70%; 365,078 homozygotes.

Submissions (12):

Labcorp Genetics (formerly Invitae), Labcorp
Classification: Benign for Wilson disease. Last evaluated: 2026-01-19. Review status: criteria provided, single submitter. Criteria: Invitae Variant Classification Sherloc (09022015). Collection method: clinical testing. Allele origin: germline.

Blueprint Genetics
Classification: Benign. Last evaluated: 2024-11-27. Review status: criteria provided, single submitter. Criteria: ACMG Guidelines, 2015. Collection method: clinical testing. Allele origin: germline.

Mayo Clinic Laboratories, Mayo Clinic
Classification: Benign. Last evaluated: 2022-09-23. Review status: criteria provided, single submitter. Criteria: ACMG Guidelines, 2015. Collection method: clinical testing. Allele origin: germline. Observed: 36 variant alleles.
Comment: BA1, BP4, BP7

ARUP Laboratories, Molecular Genetics and Genomics, ARUP Laboratories
Classification: Benign for Wilson disease. Last evaluated: 2022-03-08. Review status: criteria provided, single submitter. Criteria: ARUP Molecular Germline Variant Investigation Process 2021. Collection method: clinical testing. Allele origin: germline.

Genome-Nilou Lab
Classification: Benign for Wilson disease. Last evaluated: 2021-07-14. Review status: criteria provided, single submitter. Criteria: ACMG Guidelines, 2015. Collection method: clinical testing. Allele origin: germline. Affected: no.

Illumina Laboratory Services, Illumina
Classification: Benign for Wilson disease. Last evaluated: 2018-01-13. Review status: criteria provided, single submitter. Criteria: ICSL Variant Classification Criteria 13 December 2019. Collection method: clinical testing. Allele origin: germline.
Comment: This variant was observed in the ICSL laboratory as part of a predisposition screen in an ostensibly healthy population. It had not been previously curated by ICSL or reported in the Human Gene Mutation Database (HGMD: prior to June 1st, 2018), and was therefore a candidate for classification through an automated scoring system. Utilizing variant allele frequency, disease prevalence and penetrance estimates, and inheritance mode, an automated score was calculated to assess if this variant is too frequent to cause the disease. Based on the score and internal cut-off values, a variant classified as benign is not then subjected to further curation. The score for this variant resulted in a classification of benign for this disease.

GeneDx
Classification: Benign. Last evaluated: 2015-12-18. Review status: criteria provided, single submitter. Criteria: GeneDx Variant Classification (06012015). Collection method: clinical testing. Allele origin: germline. Affected: yes.
Comment: This variant is considered likely benign or benign based on one or more of the following criteria: it is a conservative change, it occurs at a poorly conserved position in the protein, it is predicted to be benign by multiple in silico algorithms, and/or has population frequency not consistent with disease.

Breakthrough Genomics
Classification: Benign. Review status: criteria provided, single submitter. Criteria: ACMG Guidelines, 2015. Collection method: not provided. Allele origin: germline. Inheritance: Autosomal recessive inheritance. Affected: yes.

Natera, Inc.
Classification: Benign for Wilson disease. Last evaluated: 2020-09-16. Review status: no assertion criteria provided. Collection method: clinical testing. Allele origin: germline. Not counted in ClinVar's aggregate classification.

Clinical Genetics DNA and cytogenetics Diagnostics Lab, Erasmus MC, Erasmus Medical Center
Classification: Benign. Review status: no assertion criteria provided. Collection method: clinical testing. Allele origin: germline. Affected: yes. Study: VKGL Data-share Consensus. Not counted in ClinVar's aggregate classification.

Genome Diagnostics Laboratory, University Medical Center Utrecht
Classification: Benign. Review status: no assertion criteria provided. Collection method: clinical testing. Allele origin: germline. Affected: yes. Study: VKGL Data-share Consensus. Not counted in ClinVar's aggregate classification.

Joint Genome Diagnostic Labs from Nijmegen and Maastricht, Radboudumc and MUMC+
Classification: Benign. Review status: no assertion criteria provided. Collection method: clinical testing. Allele origin: germline. Affected: yes. Study: VKGL Data-share Consensus. Not counted in ClinVar's aggregate classification.

NM_000053.4(ATP7B):c.-75C>A

Gene: ATP7B (ATPase copper transporting beta; minus strand). Cytogenetic location: 13q14.3.
Variant type: single nucleotide variant.
Coding change: c.-75C>A on transcript NM_000053.4 (MANE Select); 75 bases upstream of the start codon, C replaced by A.
Molecular consequence: 5 prime UTR variant.
Genome position (GRCh38, 1-based): chr13:52,011,412, G>T on the plus strand (C>A on the coding strand, the complement: ATP7B is on the minus strand). VCF-style: chr13-52011412-G-T. GRCh37 (hg19) VCF-style: chr13-52585548-G-T.
Other names: c.-75C>A (NM_001005918.3, NM_001243182.2, NM_001330578.2 and 1 more transcripts).
Identifiers: ClinVar variation 312405 (VCV000312405.39), dbSNP rs2277448, ClinGen allele CA10644773.
Genomic context (GRCh38, chr13:52,011,412, plus strand): 5'-ACCGAATTCTTCTCTGATCTGGCTCAGAGCAAAAGGTCACCTGGTCGGTGGAGGAGAGCG[G>T]GGTGTTAAAGTCCCGGGAGAGGAGGCGCAGAGTGTGAGGGCATCGGCGCGGCTCGGCTCT-3'